The following is an entry in ClinVar:

ClinVar aggregate classification (germline): Likely benign. Review status: criteria provided, multiple submitters, no conflicts (2 of 4 stars). 2 submissions from 2 submitters: Likely benign (2). Last evaluated 2026-01-12.

Conditions:
ASPH-related disorder. Also called: ASPH-related condition.

Allele frequency attached by ClinVar (database versions not stated): gnomAD 0.00082 and 0.00080; gnomAD exomes 0.00082 and 0.00063; ExAC 0.00086; TOPMed 0.00034; 1000 Genomes Project 30x 0.00047; ESP Exome Variant Server 0.00054; 1000 Genomes Project 0.00060.
gnomAD v4.1: 1,040 of 1,613,860 alleles (0.064%); highest among the groups gnomAD compares: Non-Finnish European, 0.057%; no homozygotes.

Submissions (2):

Labcorp Genetics (formerly Invitae), Labcorp
Classification: Likely benign. Last evaluated: 2026-01-12. Review status: criteria provided, single submitter. Criteria: Invitae Variant Classification Sherloc (09022015). Collection method: clinical testing. Allele origin: germline.

PreventionGenetics, part of Exact Sciences
Classification: Likely benign for ASPH-related condition. Last evaluated: 2025-12-16. Review status: criteria provided, single submitter. Criteria: ACMG Guidelines, 2015. Collection method: clinical testing. Allele origin: germline.
Comment: This variant is classified as likely benign based on ACMG/AMP sequence variant interpretation guidelines (Richards et al. 2015 PMID: 25741868, with internal and published modifications).

NM_004318.4(ASPH):c.1972A>G (p.Thr658Ala)

Gene: ASPH (aspartate beta-hydroxylase; minus strand). Cytogenetic location: 8q12.3.
Variant type: single nucleotide variant.
Coding change: c.1972A>G on transcript NM_004318.4 (MANE Select); coding-DNA position 1972, A replaced by G.
Protein change: p.Thr658Ala; replaces threonine 658 with alanine.
Molecular consequence: missense variant.
Genome position (GRCh38, 1-based): chr8:61,518,052, T>C on the plus strand (A>G on the coding strand, the complement: ASPH is on the minus strand). VCF-style: chr8-61518052-T-C. GRCh37 (hg19) VCF-style: chr8-62430611-T-C.
Other names: c.1885A>G, p.Thr629Ala (NM_001164750.2); short protein forms T629A, T658A.
Identifiers: ClinVar variation 738239 (VCV000738239.9), dbSNP rs151278995, ClinGen allele CA4761559.